The following is an entry in ClinVar:

NM_003079.5(SMARCE1):c.588C>G (p.Phe196Leu)

Gene: SMARCE1 (SWI/SNF related BAF chromatin remodeling complex subunit E1; minus strand). Cytogenetic location: 17q21.2.
Variant type: single nucleotide variant.
Coding change: c.588C>G on transcript NM_003079.5 (MANE Select); coding-DNA position 588, C replaced by G.
Protein change: p.Phe196Leu; replaces phenylalanine 196 with leucine.
Molecular consequence: missense variant.
Genome position (GRCh38, 1-based): chr17:40,632,321, G>C on the plus strand (C>G on the coding strand, the complement: SMARCE1 is on the minus strand). VCF-style: chr17-40632321-G-C. GRCh37 (hg19) VCF-style: chr17-38788573-G-C.
Other names: short protein forms F196L.
Identifiers: ClinVar variation 4824619 (VCV004824619.1).

ClinVar aggregate classification (germline): Uncertain significance (1 of 4 stars; one submission).

Conditions:
Hereditary cancer-predisposing syndrome. Also called: Neoplastic Syndromes, Hereditary; Hereditary neoplastic syndrome; Tumor predisposition; Hereditary Cancer Syndrome. Identifiers: Orphanet 140162, MedGen C0027672, MeSH D009386, MONDO:0015356.

Submission:

Ambry Genetics
Classification: Uncertain significance for Hereditary cancer-predisposing syndrome. Last evaluated: 2026-01-14. Review status: criteria provided, single submitter. Criteria: Ambry Variant Classification Scheme 2023. Collection method: clinical testing. Allele origin: germline.
Comment: The p.F196L variant (also known as c.588C>G), located in coding exon 7 of the SMARCE1 gene, results from a C to G substitution at nucleotide position 588. The phenylalanine at codon 196 is replaced by leucine, an amino acid with highly similar properties. This amino acid position is conserved. In addition, the in silico prediction for this alteration is inconclusive. Based on the available evidence, the clinical significance of this variant remains unclear.